The following is an entry in ClinVar:

ClinVar aggregate classification (germline): Pathogenic. Review status: criteria provided, multiple submitters, no conflicts (2 of 4 stars). 15 submissions from 15 submitters: Pathogenic (12). 3 of the submissions do not count toward it. Last evaluated 2025-11-24.

Conditions:
Inborn genetic diseases. Identifiers: MedGen C0950123, MeSH D030342.
Coffin-Siris syndrome 1 (CSS1). Also called: Mental retardation, autosomal dominant 12; ARID1B-Related Coffin-Siris Syndrome. Identifiers: Orphanet 1465, MedGen C3281201, MONDO:0007617, OMIM 135900. Disease mechanism: gain of function.

Submissions (15):

MVZ Martinsried, Medicover Genetics
Classification: Pathogenic for Coffin-Siris syndrome 1. Last evaluated: 2025-11-24. Review status: criteria provided, single submitter. Criteria: ClinGen Variant Curation SOP V3.2 + Classification Guidance July2025. Collection method: clinical testing. Allele origin: de novo. Affected: yes. Observed: 1 heterozygote.

3billion
Classification: Pathogenic for Coffin-Siris syndrome 1. Last evaluated: 2025-09-30. Review status: criteria provided, single submitter. Criteria: ACMG Guidelines, 2015. Collection method: clinical testing. Allele origin: germline. Affected: yes.
Comment: The variant is not observed in the gnomAD v4.1.0 dataset. Predicted Consequence/Location: Stop-gained (nonsense): predicted to result in a loss or disruption of normal protein function through protein truncation. The predicted truncated protein may be shortened by less than 10%. The variant has been previously reported as de novo in a similarly affected individual (PMID: 23906836). The variant has been previously reported as assumed (i.e. paternity and maternity not confirmed) de novo in at least one similarly affected unrelated individual (3billion dataset). The variant has been reported at least twice as pathogenic with clinical assertions and evidence for the classification (ClinVar ID: VCV000448984 /PMID: 23906836 /3billion dataset). Therefore, this variant is classified as Pathogenic according to the recommendation of ACMG/AMP guideline.

Labcorp Genetics (formerly Invitae), Labcorp
Classification: Pathogenic. Last evaluated: 2025-06-11. Review status: criteria provided, single submitter. Criteria: Invitae Variant Classification Sherloc (09022015). Collection method: clinical testing. Allele origin: germline.
Comment: This sequence change creates a premature translational stop signal (p.Arg2211*) in the ARID1B gene. While this is not anticipated to result in nonsense mediated decay, it is expected to disrupt the last 122 amino acid(s) of the ARID1B protein. This variant is not present in population databases (gnomAD no frequency). This premature translational stop signal has been observed in individual(s) with Coffin–Siris syndrome (PMID: 23815551, 23906836). In at least one individual the variant was observed to be de novo. ClinVar contains an entry for this variant (Variation ID: 448984). Algorithms developed to predict the effect of sequence changes on RNA splicing suggest that this variant may create or strengthen a splice site. For these reasons, this variant has been classified as Pathogenic.

Institute of Medical Genetics and Applied Genomics, University Hospital Tübingen
Classification: Pathogenic for Coffin-Siris syndrome 1. Last evaluated: 2023-12-12. Review status: criteria provided, single submitter. Criteria: ACMG Guidelines, 2015. Collection method: clinical testing. Allele origin: germline. Inheritance: Autosomal dominant inheritance. Affected: yes.

GeneDx
Classification: Pathogenic. Last evaluated: 2023-02-28. Review status: criteria provided, single submitter. Criteria: GeneDx Variant Classification Process June 2021. Collection method: clinical testing. Allele origin: germline. Affected: yes.
Comment: Nonsense variant predicted to result in protein truncation, as the last 122 amino acids are lost, and other loss-of-function variants have been reported downstream in HGMD; Not observed at significant frequency in large population cohorts (gnomAD); This variant is associated with the following publications: (PMID: 23906836, 33768696, 30349098, 32371413, 36177969, 33619735, 33994118)

CeGaT Center for Human Genetics Tuebingen
Classification: Pathogenic. Last evaluated: 2021-09-01. Review status: criteria provided, single submitter. Criteria: CeGaT Center For Human Genetics Tuebingen Variant Classification Criteria Version 2. Collection method: clinical testing. Allele origin: germline. Affected: yes. Observed: 1 variant allele.

Genome-Nilou Lab
Classification: Pathogenic for Coffin-Siris syndrome 1. Last evaluated: 2021-07-15. Review status: criteria provided, single submitter. Criteria: ACMG Guidelines, 2015. Collection method: clinical testing. Allele origin: germline. Affected: no.

Institute of Human Genetics, University of Leipzig Medical Center
Classification: Pathogenic for Coffin-Siris syndrome 1. Last evaluated: 2021-01-28. Review status: criteria provided, single submitter. Criteria: ACMG Guidelines, 2015. Collection method: clinical testing. Allele origin: unknown. Affected: yes.

Institute for Genomic Medicine (IGM) Clinical Laboratory, Nationwide Children's Hospital
Classification: Pathogenic for Coffin-Siris syndrome 1. Last evaluated: 2018-08-16. Review status: criteria provided, single submitter. Criteria: ACMG Guidelines, 2015. Collection method: clinical testing. Allele origin: germline. Affected: yes.
Comment: [ACMG/AMP: PVS1, PS2, PM2, PP5] This alteration is a null variant in a gene where LOF is a known mechanism of disease [PVS1], is de novo in origin as it was not detected in the submitted parental specimens (identity confirmed) [PS2], is absent from or rarely observed in large-scale population databases [PM2], was reported as a pathogenic/likely pathogenic alteration by a reputable source (ClinVar or other correspondence from a clinical testing laboratory) [PP5].

Institute of Human Genetics Munich, TUM University Hospital
Classification: Pathogenic for Coffin-Siris syndrome 1. Last evaluated: 2018-06-21. Review status: criteria provided, single submitter. Criteria: Classification criteria August 2017. Collection method: clinical testing. Allele origin: de novo. Inheritance: Autosomal dominant inheritance. Affected: yes. Observed: 1 heterozygote.

Ambry Genetics
Classification: Pathogenic for Inborn genetic diseases. Last evaluated: 2016-11-16. Review status: criteria provided, single submitter. Criteria: Ambry Variant Classification Scheme 2023. Collection method: clinical testing. Allele origin: germline.
Comment: The p.R2128* pathogenic mutation (also known as c.6382C>T), located in coding exon 20 of the ARID1B gene, results from a C to T substitution at nucleotide position 6382. This changes the amino acid from an arginine to a stop codon within coding exon 20. This variant was identified de novo in an individual with Coffin-Siris syndrome (Wieczorek D et al. Hum. Mol. Genet., 2013 Dec;22:5121-35). In addition to the clinical data presented in the literature, this alteration is expected to result in loss of function by premature protein truncation. As such, this alteration is interpreted as a disease-causing mutation.

Juno Genomics, Hangzhou Juno Genomics, Inc
Classification: Pathogenic for Coffin-Siris syndrome 1. Review status: criteria provided, single submitter. Criteria: ACMG Guidelines, 2015. Collection method: clinical testing. Allele origin: germline.
Comment: Absent from controls (or at extremely low frequency if recessive) in Genome Aggregation Database.;Null variant in a gene where loss of function (LOF) is a known mechanism of disease.;De novo (both maternity and paternity confirmed) in a patient with the disease and no family history.;The prevalence of the variant in affected individuals is significantly increased compared to the prevalence in controls.;Patient's phenotype or family history is highly specific for a disease with a single genetic etiology.

Molecular Genetics Laboratory, BC Children's and BC Women's Hospitals
Classification: Pathogenic for Coffin-Siris syndrome 1. Last evaluated: 2024-11-29. Review status: no assertion criteria provided. Criteria: ACMG Guidelines, 2015. Collection method: clinical testing. Allele origin: de novo. Affected: yes. Not counted in ClinVar's aggregate classification.

Diagnostic Laboratory, Department of Genetics, University Medical Center Groningen
Classification: Pathogenic. Review status: no assertion criteria provided. Collection method: clinical testing. Allele origin: germline. Affected: yes. Study: VKGL Data-share Consensus. Not counted in ClinVar's aggregate classification.

Genome Diagnostics Laboratory, University Medical Center Utrecht
Classification: Pathogenic. Review status: no assertion criteria provided. Collection method: clinical testing. Allele origin: germline. Affected: yes. Study: VKGL Data-share Consensus. Not counted in ClinVar's aggregate classification.

Literature cited by the submitters: PubMed 23906836 (cited by 3 submitters); PubMed 23815551 (cited by Labcorp Genetics (formerly Invitae), Labcorp).

NM_001374828.1(ARID1B):c.6751C>T (p.Arg2251Ter)

Gene: ARID1B (AT-rich interaction domain 1B; plus strand). Cytogenetic location: 6q25.3.
Variant type: single nucleotide variant.
Coding change: c.6751C>T on transcript NM_001374828.1 (MANE Select); coding-DNA position 6751, C replaced by T.
Protein change: p.Arg2251Ter; replaces arginine 2251 with a stop codon.
Molecular consequence: nonsense.
Genome position (GRCh38, 1-based): chr6:157,207,523, C>T. VCF-style: chr6-157207523-C-T. GRCh37 (hg19) VCF-style: chr6-157528657-C-T.
Other names: c.6382C>T, p.Arg2128Ter (NM_020732.3); c.6631C>T, p.Arg2211Ter (NM_001374820.1, NM_001371656.1); c.6592C>T, p.Arg2198Ter (NM_017519.3); c.4252C>T, p.Arg1418Ter (NM_001363725.2); c.6502C>T (NM_001346813.1); short protein forms R2128*, R1418*, R2198*, R2211*, R2251*.
Identifiers: ClinVar variation 448984 (VCV000448984.60), dbSNP rs1554238072, ClinGen allele CA366248978.